The following is an entry in ClinVar:

ClinVar aggregate classification (germline): Likely pathogenic. Review status: criteria provided, multiple submitters, no conflicts (2 of 4 stars). 2 submissions from 2 submitters: Likely pathogenic (2). Last evaluated 2025-12-09.

Conditions:
Autosomal recessive nonsyndromic hearing loss 4 (DFNB4). Also called: Deafness, autosomal recessive 4; Nonsyndromic enlarged vestibular aqueduct (NSEVA); NEUROSENSORY NONSYNDROMIC RECESSIVE DEAFNESS 4; Enlarged vestibular aqueduct, digenic; DEAFNESS, AUTOSOMAL RECESSIVE 4, WITH ENLARGED VESTIBULAR AQUEDUCT, DIGENIC; FOXI1-Related Pendred Syndrome. Identifiers: Orphanet 90636, MedGen C3538946, MONDO:0010933, OMIM 600791.

Allele frequency attached by ClinVar (database versions not stated): gnomAD exomes below 0.00001.
gnomAD v4.1: 1 of 1,573,106 alleles (0.000064%); highest among the groups gnomAD compares: Non-Finnish European, 0.000088%; no homozygotes.

Submissions (2):

Genetics Research Center, University of Social Welfare and Rehabilitation Sciences
Classification: Likely pathogenic for Autosomal recessive nonsyndromic hearing loss 4. Last evaluated: 2025-12-09. Review status: criteria provided, single submitter. Criteria: ACMG Guidelines, 2015. Collection method: research. Allele origin: germline. Affected: yes.
Comment: The variant has not been observed in gnomAD v2.1.1 dataset. Previous studies have reported its association with SLC26A4-related hearing loss (PMID: 18813951, 26445815, 3774580).

Labcorp Genetics (formerly Invitae), Labcorp
Classification: Likely pathogenic. Last evaluated: 2023-09-21. Review status: criteria provided, single submitter. Criteria: Invitae Variant Classification Sherloc (09022015). Collection method: clinical testing. Allele origin: germline.
Comment: In summary, the currently available evidence indicates that the variant is pathogenic, but additional data are needed to prove that conclusively. Therefore, this variant has been classified as Likely Pathogenic. Advanced modeling of protein sequence and biophysical properties (such as structural, functional, and spatial information, amino acid conservation, physicochemical variation, residue mobility, and thermodynamic stability) performed at Invitae indicates that this missense variant is expected to disrupt SLC26A4 protein function. This missense change has been observed in individual(s) with SLC26A4-related conditions (PMID: 18813951, 26445815). This variant is not present in population databases (gnomAD no frequency). This sequence change replaces threonine, which is neutral and polar, with isoleucine, which is neutral and non-polar, at codon 420 of the SLC26A4 protein (p.Thr420Ile).

Literature cited by the submitters: PubMed 18813951 (cited by Genetics Research Center, University of Social Welfare and Rehabilitation Sciences and Labcorp Genetics (formerly Invitae), Labcorp); PubMed 26445815 (cited by Genetics Research Center, University of Social Welfare and Rehabilitation Sciences and Labcorp Genetics (formerly Invitae), Labcorp); PubMed 3774580 (cited by Genetics Research Center, University of Social Welfare and Rehabilitation Sciences).

NM_000441.2(SLC26A4):c.1259C>T (p.Thr420Ile)

Gene: SLC26A4 (solute carrier family 26 member 4; plus strand). Cytogenetic location: 7q22.3.
Variant type: single nucleotide variant.
Coding change: c.1259C>T on transcript NM_000441.2 (MANE Select); coding-DNA position 1259, C replaced by T.
Protein change: p.Thr420Ile; replaces threonine 420 with isoleucine.
Molecular consequence: missense variant.
Genome position (GRCh38, 1-based): chr7:107,690,233, C>T. VCF-style: chr7-107690233-C-T. GRCh37 (hg19) VCF-style: chr7-107330678-C-T.
Other names: short protein forms T420I.
Identifiers: ClinVar variation 2735068 (VCV002735068.4), dbSNP rs2535319546, ClinGen allele CA368839333.
Genomic context (GRCh38, chr7:107,690,233, plus strand): 5'-GTTTTGTGGCCACCACTGCTCTTTCCCGCACGGCCGTCCAGGAGAGCACTGGAGGAAAGA[C>T]ACAGGTAGGAACAACAGCCTTATGATATCCATCTCAGAGAACAAGTCGAGGAATGGCAAC-3'
Protein context (NP_000432.1, residues 410-430): TAVQESTGGK[Thr420Ile]QVAGIISAAI